The following is an entry in ClinVar:

NM_000057.4(BLM):c.2368G>T (p.Ala790Ser)

Gene: BLM (BLM RecQ like helicase; plus strand). Cytogenetic location: 15q26.1.
Variant type: single nucleotide variant.
Coding change: c.2368G>T on transcript NM_000057.4 (MANE Select); coding-DNA position 2368, G replaced by T.
Protein change: p.Ala790Ser; replaces alanine 790 with serine.
Molecular consequence: missense variant.
Genome position (GRCh38, 1-based): chr15:90,769,193, G>T. VCF-style: chr15-90769193-G-T. GRCh37 (hg19) VCF-style: chr15-91312423-G-T.
Other names: c.2368G>T, p.Ala790Ser (NM_001287246.2, NM_001287247.2); c.1243G>T, p.Ala415Ser (NM_001287248.2); short protein forms A790S, A415S.
Identifiers: ClinVar variation 654629 (VCV000654629.9), dbSNP rs777355959, ClinGen allele CA393845150.

ClinVar aggregate classification (germline): Uncertain significance (1 of 4 stars; one submission).

Conditions:
Bloom syndrome (BLM). Also called: Bloom-Torre-Machacek syndrome. Identifiers: Orphanet 125, MedGen C0005859, MONDO:0008876, OMIM 210900.

Submission:

Labcorp Genetics (formerly Invitae), Labcorp
Classification: Uncertain significance for Bloom syndrome. Last evaluated: 2022-01-14. Review status: criteria provided, single submitter. Criteria: Invitae Variant Classification Sherloc (09022015). Collection method: clinical testing. Allele origin: germline.
Comment: This sequence change replaces alanine, which is neutral and non-polar, with serine, which is neutral and polar, at codon 790 of the BLM protein (p.Ala790Ser). This variant is not present in population databases (gnomAD no frequency). This variant has not been reported in the literature in individuals affected with BLM-related conditions. ClinVar contains an entry for this variant (Variation ID: 654629). Algorithms developed to predict the effect of missense changes on protein structure and function are either unavailable or do not agree on the potential impact of this missense change (SIFT: "Tolerated"; PolyPhen-2: "Possibly Damaging"; Align-GVGD: "Class C0"). In summary, the available evidence is currently insufficient to determine the role of this variant in disease. Therefore, it has been classified as a Variant of Uncertain Significance.